The following is an entry in ClinVar:

ClinVar aggregate classification (germline): Uncertain significance. Review status: criteria provided, multiple submitters, no conflicts (2 of 4 stars). 2 submissions from 2 submitters: Uncertain significance (2). Last evaluated 2025-06-23.

Conditions:
Hypokalemic periodic paralysis, type 1. Also called: Hypokalemic Periodic Paralysis Type 1 (AD); HypoPP. Identifiers: Orphanet 681, MedGen C3714580, MONDO:0042979, OMIM 170400.
Malignant hyperthermia, susceptibility to, 5 (MHS5). Also called: CACNA1S-Related Malignant Hyperthermia Susceptibility. Identifiers: Orphanet 423, MedGen C1866077, MONDO:0011163, OMIM 601887.

Allele frequency attached by ClinVar (database versions not stated): TOPMed below 0.00001; ExAC 0.00001; gnomAD 0.00001; ESP Exome Variant Server 0.00008.
gnomAD v4.1: 8 of 1,613,938 alleles (0.0005%); highest among the groups gnomAD compares: Non-Finnish European, 0.00068%; no homozygotes.

Submissions (2):

Color Diagnostics, LLC DBA Color Health
Classification: Uncertain significance for Malignant hyperthermia, susceptibility to, 5. Last evaluated: 2025-06-23. Review status: criteria provided, single submitter. Criteria: ACMG Guidelines, 2015. Collection method: clinical testing. Allele origin: germline.
Comment: This missense variant replaces serine with arginine at codon 1844 of the CACNA1S protein. Computational prediction suggests that this variant may not impact protein structure and function. To our knowledge, functional studies have not been reported for this variant. This variant has not been reported in individuals affected with CACNA1S-related disorders in the literature. This variant has been identified in 1/31396 chromosomes in the general population by the Genome Aggregation Database (gnomAD). The available evidence is insufficient to determine the role of this variant in disease conclusively. Therefore, this variant is classified as a Variant of Uncertain Significance.

Labcorp Genetics (formerly Invitae), Labcorp
Classification: Uncertain significance for Hypokalemic periodic paralysis, type 1; Malignant hyperthermia, susceptibility to, 5. Last evaluated: 2024-03-05. Review status: criteria provided, single submitter. Criteria: Invitae Variant Classification Sherloc (09022015). Collection method: clinical testing. Allele origin: germline.
Comment: This sequence change replaces serine, which is neutral and polar, with arginine, which is basic and polar, at codon 1844 of the CACNA1S protein (p.Ser1844Arg). This variant is present in population databases (rs370647481, gnomAD 0.007%). This variant has not been reported in the literature in individuals affected with CACNA1S-related conditions. ClinVar contains an entry for this variant (Variation ID: 1408754). Advanced modeling of protein sequence and biophysical properties (such as structural, functional, and spatial information, amino acid conservation, physicochemical variation, residue mobility, and thermodynamic stability) performed at Invitae indicates that this missense variant is not expected to disrupt CACNA1S protein function with a negative predictive value of 95%. In summary, the available evidence is currently insufficient to determine the role of this variant in disease. Therefore, it has been classified as a Variant of Uncertain Significance.

NM_000069.3(CACNA1S):c.5532C>G (p.Ser1844Arg)

Gene: CACNA1S (calcium voltage-gated channel subunit alpha1 S; minus strand). Cytogenetic location: 1q32.1.
Variant type: single nucleotide variant.
Coding change: c.5532C>G on transcript NM_000069.3 (MANE Select); coding-DNA position 5532, C replaced by G.
Protein change: p.Ser1844Arg; replaces serine 1844 with arginine.
Molecular consequence: missense variant.
Genome position (GRCh38, 1-based): chr1:201,039,921, G>C on the plus strand (C>G on the coding strand, the complement: CACNA1S is on the minus strand). VCF-style: chr1-201039921-G-C. GRCh37 (hg19) VCF-style: chr1-201009049-G-C.
Other names: short protein forms S1844R.
Identifiers: ClinVar variation 1408754 (VCV001408754.7), dbSNP rs370647481, ClinGen allele CA083895.